The following is an entry in ClinVar:

NM_032444.4(SLX4):c.703G>A (p.Ala235Thr)

Gene: SLX4 (SLX4 structure-specific endonuclease subunit; minus strand). Cytogenetic location: 16p13.3.
Variant type: single nucleotide variant.
Coding change: c.703G>A on transcript NM_032444.4 (MANE Select); coding-DNA position 703, G replaced by A.
Protein change: p.Ala235Thr; replaces alanine 235 with threonine.
Molecular consequence: missense variant.
Genome position (GRCh38, 1-based): chr16:3,606,531, C>T on the plus strand (G>A on the coding strand, the complement: SLX4 is on the minus strand). VCF-style: chr16-3606531-C-T. GRCh37 (hg19) VCF-style: chr16-3656532-C-T.
Other names: c.703G>A (NM_032444.2); short protein forms A235T.
Identifiers: ClinVar variation 1387670 (VCV001387670.9), dbSNP rs754917250, ClinGen allele CA7866781.

ClinVar aggregate classification (germline): Uncertain significance. Review status: criteria provided, multiple submitters, no conflicts (2 of 4 stars). 2 submissions from 2 submitters: Uncertain significance (2). Last evaluated 2025-05-15.

Conditions:
Inborn genetic diseases. Identifiers: MedGen C0950123, MeSH D030342.
Fanconi anemia (FA). Also called: Fanconi's anemia. Identifiers: Orphanet 84, MedGen C0015625, MeSH D005199, MONDO:0019391.

Allele frequency attached by ClinVar (database versions not stated): ExAC 0.00002.
gnomAD v4.1: 2 of 1,614,214 alleles (0.00012%); highest among the groups gnomAD compares: East Asian, 0.0045%; no homozygotes.

Submissions (2):

Ambry Genetics
Classification: Uncertain significance for Inborn genetic diseases. Last evaluated: 2025-05-15. Review status: criteria provided, single submitter. Criteria: Ambry Variant Classification Scheme 2023. Collection method: clinical testing. Allele origin: germline.

Labcorp Genetics (formerly Invitae), Labcorp
Classification: Uncertain significance for Fanconi anemia. Last evaluated: 2024-07-23. Review status: criteria provided, single submitter. Criteria: Invitae Variant Classification Sherloc (09022015). Collection method: clinical testing. Allele origin: germline.
Comment: This sequence change replaces alanine, which is neutral and non-polar, with threonine, which is neutral and polar, at codon 235 of the SLX4 protein (p.Ala235Thr). This variant is present in population databases (rs754917250, gnomAD 0.02%). This variant has not been reported in the literature in individuals affected with SLX4-related conditions. ClinVar contains an entry for this variant (Variation ID: 1387670). An algorithm developed to predict the effect of missense changes on protein structure and function outputs the following: PolyPhen-2: "Benign". The threonine amino acid residue is found in multiple mammalian species, which suggests that this missense change does not adversely affect protein function. In summary, the available evidence is currently insufficient to determine the role of this variant in disease. Therefore, it has been classified as a Variant of Uncertain Significance.